The following is an entry in ClinVar:

ClinVar aggregate classification (germline): Conflicting classifications of pathogenicity. Review status: criteria provided, conflicting classifications (1 of 4 stars). 2 submissions from 2 submitters: Likely pathogenic (1); Uncertain significance (1). Last evaluated 2022-06-24.

Submissions (2):

Women's Health and Genetics/Laboratory Corporation of America, LabCorp
Classification: Uncertain significance. Last evaluated: 2022-06-24. Review status: criteria provided, single submitter. Criteria: LabCorp Variant Classification Summary - May 2015. Collection method: clinical testing. Allele origin: germline.
Comment: Variant summary: MEN1 c.654+3A>T alters a non-conserved nucleotide located close to a canonical splice site and therefore could affect mRNA splicing, leading to a significantly altered protein sequence. Several computational tools predict a significant impact on normal splicing: Two predict the variant abolishes a 5' splicing donor site. However, these predictions have yet to be confirmed by functional studies. The variant was absent in 250766 control chromosomes (gnomAD). The available data on variant occurrences in the general population are insufficient to allow any conclusion about variant significance. To our knowledge, no occurrence of c.654+3A>T in individuals affected with Multiple Endocrine Neoplasia Type 1 and no experimental evidence demonstrating its impact on protein function have been reported. One clinical diagnostic laboratory has submitted clinical-significance assessments for this variant to ClinVar after 2014 and classified the variant as likely pathogenic. Based on the evidence outlined above, the variant was classified as uncertain significance.

GeneDx
Classification: Likely pathogenic. Last evaluated: 2022-04-11. Review status: criteria provided, single submitter. Criteria: GeneDx Variant Classification Process June 2021. Collection method: clinical testing. Allele origin: germline. Affected: yes.
Comment: Has not been previously published as pathogenic or benign to our knowledge; Not observed at significant frequency in large population cohorts (gnomAD); In silico analysis supports a deleterious effect on splicing

NM_001370259.2(MEN1):c.654+3A>T

Gene: MEN1 (menin 1; minus strand). Cytogenetic location: 11q13.1.
Variant type: single nucleotide variant.
Coding change: c.654+3A>T on transcript NM_001370259.2 (MANE Select); 3 bases into the intron after coding-DNA position 654, A replaced by T.
Molecular consequence: intron variant.
Genome position (GRCh38, 1-based): chr11:64,807,888, T>A on the plus strand (A>T on the coding strand, the complement: MEN1 is on the minus strand). VCF-style: chr11-64807888-T-A. GRCh37 (hg19) VCF-style: chr11-64575360-T-A.
Other names: c.669+3A>T (NM_130804.3, NM_130803.3, NM_000244.4 and 3 more transcripts); c.654+3A>T (NM_130799.3, NM_001370260.2, NM_001370251.2 and 1 more transcripts); c.549+108A>T (NM_001370263.2, NM_001370262.2).
Identifiers: ClinVar variation 418291 (VCV000418291.7), dbSNP rs1064793168, ClinGen allele CA16619363.